The following is an entry in ClinVar:

ClinVar aggregate classification (germline): Likely benign. Review status: criteria provided, multiple submitters, no conflicts (2 of 4 stars). 2 submissions from 2 submitters: Likely benign (2). Last evaluated 2018-06-19.

Allele frequency attached by ClinVar (database versions not stated): 1000 Genomes Project 0.01518; 1000 Genomes Project 30x 0.01702; TOPMed 0.02710; gnomAD 0.02935 and 0.02974.

Submissions (2):

GeneDx
Classification: Likely benign. Last evaluated: 2018-06-19. Review status: criteria provided, single submitter. Criteria: GeneDx Variant Classification (06012015). Collection method: clinical testing. Allele origin: germline. Affected: yes.
Comment: This variant is considered likely benign or benign based on one or more of the following criteria: it is a conservative change, it occurs at a poorly conserved position in the protein, it is predicted to be benign by multiple in silico algorithms, and/or has population frequency not consistent with disease.

Breakthrough Genomics
Classification: Likely benign. Review status: criteria provided, single submitter. Criteria: ACMG Guidelines, 2015. Collection method: not provided. Allele origin: germline. Inheritance: Autosomal recessive inheritance. Affected: yes.

NM_153033.5(KCTD7):c.493+57G>C

Gene: KCTD7 (potassium channel tetramerization domain containing 7; plus strand). Cytogenetic location: 7q11.21.
Variant type: single nucleotide variant.
Coding change: c.493+57G>C on transcript NM_153033.5 (MANE Select); 57 bases into the intron after coding-DNA position 493, G replaced by C.
Molecular consequence: intron variant.
Genome position (GRCh38, 1-based): chr7:66,638,488, G>C. VCF-style: chr7-66638488-G-C. GRCh37 (hg19) VCF-style: chr7-66103475-G-C.
Other names: c.493+57G>C (NM_001167961.2).
Identifiers: ClinVar variation 670885 (VCV000670885.2), dbSNP rs74362924, ClinGen allele CA160220205.